The following is an entry in ClinVar:

NM_001170629.2(CHD8):c.5659C>T (p.Leu1887Phe)

Gene: CHD8 (chromodomain helicase DNA binding protein 8; minus strand). Cytogenetic location: 14q11.2.
Variant type: single nucleotide variant.
Coding change: c.5659C>T on transcript NM_001170629.2 (MANE Select); coding-DNA position 5659, C replaced by T.
Protein change: p.Leu1887Phe; replaces leucine 1887 with phenylalanine.
Molecular consequence: missense variant.
Genome position (GRCh38, 1-based): chr14:21,394,136, G>A on the plus strand (C>T on the coding strand, the complement: CHD8 is on the minus strand). VCF-style: chr14-21394136-G-A. GRCh37 (hg19) VCF-style: chr14-21862295-G-A.
Other names: c.5659C>T (NM_001170629.1); c.4822C>T, p.Leu1608Phe (NM_020920.4); short protein forms L1608F, L1887F.
Identifiers: ClinVar variation 2420040 (VCV002420040.9), dbSNP rs369825360, ClinGen allele CA7090914.

ClinVar aggregate classification (germline): Uncertain significance. Review status: criteria provided, multiple submitters, no conflicts (2 of 4 stars). 3 submissions from 3 submitters: Uncertain significance (3). Last evaluated 2026-04-01.

Allele frequency attached by ClinVar (database versions not stated): ExAC 0.00001.
gnomAD v4.1: 3 of 1,611,416 alleles (0.00019%); highest among the groups gnomAD compares: Admixed American, 0.0033%; no homozygotes.

Submissions (3):

CeGaT Center for Human Genetics Tuebingen
Classification: Uncertain significance. Last evaluated: 2026-04-01. Review status: criteria provided, single submitter. Criteria: CeGaT Center For Human Genetics Tuebingen Variant Classification Criteria Version 2. Collection method: clinical testing. Allele origin: germline. Affected: yes. Observed: 1 variant allele.

GeneDx
Classification: Uncertain significance. Last evaluated: 2024-09-27. Review status: criteria provided, single submitter. Criteria: GeneDx Variant Classification Process June 2021. Collection method: clinical testing. Allele origin: germline. Affected: yes.
Comment: In silico analysis supports that this missense variant has a deleterious effect on protein structure/function; Has not been previously published as pathogenic or benign to our knowledge

Labcorp Genetics (formerly Invitae), Labcorp
Classification: Uncertain significance. Last evaluated: 2024-09-26. Review status: criteria provided, single submitter. Criteria: Invitae Variant Classification Sherloc (09022015). Collection method: clinical testing. Allele origin: germline.
Comment: This sequence change replaces leucine, which is neutral and non-polar, with phenylalanine, which is neutral and non-polar, at codon 1887 of the CHD8 protein (p.Leu1887Phe). This variant is present in population databases (rs369825360, gnomAD 0.009%). This variant has not been reported in the literature in individuals affected with CHD8-related conditions. ClinVar contains an entry for this variant (Variation ID: 2420040). Invitae Evidence Modeling of protein sequence and biophysical properties (such as structural, functional, and spatial information, amino acid conservation, physicochemical variation, residue mobility, and thermodynamic stability) has been performed for this missense variant. However, the output from this modeling did not meet the statistical confidence thresholds required to predict the impact of this variant on CHD8 protein function. In summary, the available evidence is currently insufficient to determine the role of this variant in disease. Therefore, it has been classified as a Variant of Uncertain Significance.